The following is an entry in ClinVar:

ClinVar aggregate classification (germline): Likely benign. Review status: criteria provided, multiple submitters, no conflicts (2 of 4 stars). 3 submissions from 3 submitters: Likely benign (2). 1 of the submissions does not count toward it. Last evaluated 2024-02-24.

Conditions:
Bardet-Biedl syndrome (BBS). Identifiers: Orphanet 110, MedGen C0752166, MONDO:0015229.
BBS12-related disorder. Also called: BBS12-related condition.

Allele frequency attached by ClinVar (database versions not stated): ExAC 0.00001; gnomAD exomes 0.00001.
gnomAD v4.1: 9 of 1,614,166 alleles (0.00056%); highest among the groups gnomAD compares: East Asian, 0.0022%; no homozygotes.

Submissions (3):

Labcorp Genetics (formerly Invitae), Labcorp
Classification: Likely benign for Bardet-Biedl syndrome. Last evaluated: 2024-02-24. Review status: criteria provided, single submitter. Criteria: Invitae Variant Classification Sherloc (09022015). Collection method: clinical testing. Allele origin: germline.

Blueprint Genetics
Classification: Likely benign. Last evaluated: 2022-12-12. Review status: criteria provided, single submitter. Criteria: ACMG Guidelines, 2015. Collection method: clinical testing. Allele origin: germline.

PreventionGenetics, part of Exact Sciences
Classification: Likely benign for BBS12-related condition. Last evaluated: 2024-07-05. Review status: no assertion criteria provided. Collection method: clinical testing. Allele origin: germline. Not counted in ClinVar's aggregate classification.
Comment: This variant is classified as likely benign based on ACMG/AMP sequence variant interpretation guidelines (Richards et al. 2015 PMID: 25741868, with internal and published modifications).

NM_152618.3(BBS12):c.1503G>A (p.Thr501=)

Gene: BBS12 (Bardet-Biedl syndrome 12; plus strand). Cytogenetic location: 4q27.
Variant type: single nucleotide variant.
Coding change: c.1503G>A on transcript NM_152618.3 (MANE Select); coding-DNA position 1503, G replaced by A.
Protein change: p.Thr501=; no amino-acid change (threonine 501 retained).
Molecular consequence: synonymous variant.
Genome position (GRCh38, 1-based): chr4:122,743,395, G>A. VCF-style: chr4-122743395-G-A. GRCh37 (hg19) VCF-style: chr4-123664550-G-A.
Other names: c.1503G>A, p.Thr501= (NM_001178007.2); c.1503G>A (NM_152618.2).
Identifiers: ClinVar variation 2141974 (VCV002141974.6), dbSNP rs750488316, ClinGen allele CA3069463.